The following is an entry in ClinVar:

NM_022132.5(MCCC2):c.746C>T (p.Ala249Val)

Gene: MCCC2 (methylcrotonyl-CoA carboxylase subunit 2; plus strand). Cytogenetic location: 5q13.2.
Variant type: single nucleotide variant.
Coding change: c.746C>T on transcript NM_022132.5 (MANE Select); coding-DNA position 746, C replaced by T.
Protein change: p.Ala249Val; replaces alanine 249 with valine.
Molecular consequence: missense variant.
Genome position (GRCh38, 1-based): chr5:71,632,128, C>T. VCF-style: chr5-71632128-C-T. GRCh37 (hg19) VCF-style: chr5-70927955-C-T.
Other names: c.632C>T, p.Ala211Val (NM_001363147.1); short protein forms A211V, A249V.
Identifiers: ClinVar variation 972447 (VCV000972447.10), dbSNP rs141676987, ClinGen allele CA3297880.

ClinVar aggregate classification (germline): Uncertain significance. Review status: criteria provided, multiple submitters, no conflicts (2 of 4 stars). 4 submissions from 4 submitters: Uncertain significance (3). 1 of the submissions does not count toward it. Last evaluated 2023-01-10.

Conditions:
MCCC2-related disorder. Also called: MCCC2-related condition.
3-methylcrotonyl-CoA carboxylase 2 deficiency. Also called: 3 alpha methylcrotonyl-CoA carboxylase 2 deficiency; 3 alpha methylcrotonylglycinuria 2; MCC 2 deficiency; Methylcrotonylglycinuria type 2; METHYLCROTONYLGLYCINURIA, TYPE II. Identifiers: Orphanet 6, MedGen C1859499, MONDO:0008862, OMIM 210210.

Allele frequency attached by ClinVar (database versions not stated): gnomAD exomes 0.00003 and 0.00006; ExAC 0.00010; gnomAD 0.00013 and 0.00015; TOPMed 0.00015; ESP Exome Variant Server 0.00023.
gnomAD v4.1: 58 of 1,613,922 alleles (0.0036%); highest among the groups gnomAD compares: African/African-American, 0.029%; no homozygotes.

Submissions (4):

PreventionGenetics, part of Exact Sciences
Classification: Uncertain significance for MCCC2-related condition. Last evaluated: 2023-01-10. Review status: criteria provided, single submitter. Criteria: ACMG Guidelines, 2015. Collection method: clinical testing. Allele origin: germline.
Comment: The MCCC2 c.746C>T variant is predicted to result in the amino acid substitution p.Ala249Val. To our knowledge, this variant has not been reported in the literature. This variant is reported in 0.048% of alleles in individuals of African descent in gnomAD. At this time, the clinical significance of this variant is uncertain due to the absence of conclusive functional and genetic evidence.

Labcorp Genetics (formerly Invitae), Labcorp
Classification: Uncertain significance for 3-methylcrotonyl-CoA carboxylase 2 deficiency. Last evaluated: 2022-09-27. Review status: criteria provided, single submitter. Criteria: Invitae Variant Classification Sherloc (09022015). Collection method: clinical testing. Allele origin: germline.
Comment: This sequence change replaces alanine, which is neutral and non-polar, with valine, which is neutral and non-polar, at codon 249 of the MCCC2 protein (p.Ala249Val). This variant is present in population databases (rs141676987, gnomAD 0.04%). This variant has not been reported in the literature in individuals affected with MCCC2-related conditions. ClinVar contains an entry for this variant (Variation ID: 972447). Algorithms developed to predict the effect of missense changes on protein structure and function (SIFT, PolyPhen-2, Align-GVGD) all suggest that this variant is likely to be disruptive. In summary, the available evidence is currently insufficient to determine the role of this variant in disease. Therefore, it has been classified as a Variant of Uncertain Significance.

Fulgent Genetics
Classification: Uncertain significance for 3-methylcrotonyl-CoA carboxylase 2 deficiency. Last evaluated: 2022-05-12. Review status: criteria provided, single submitter. Criteria: ACMG Guidelines, 2015. Collection method: clinical testing. Allele origin: unknown.

Natera, Inc.
Classification: Uncertain significance for 3-methylcrotonyl-CoA carboxylase 2 deficiency. Last evaluated: 2020-03-25. Review status: no assertion criteria provided. Collection method: clinical testing. Allele origin: germline. Not counted in ClinVar's aggregate classification.